The following is an entry in ClinVar:

ClinVar aggregate classification (germline): Uncertain significance. Review status: criteria provided, multiple submitters, no conflicts (2 of 4 stars). 3 submissions from 3 submitters: Uncertain significance (3). Last evaluated 2023-09-08.

Conditions:
Epidermolysis bullosa simplex 5B, with muscular dystrophy (EBS5B). Also called: Epidermolysis bullosa simplex with muscular dystrophy; EPIDERMOLYSIS BULLOSA SIMPLEX AND LIMB-GIRDLE MUSCULAR DYSTROPHY. Identifiers: Orphanet 257, MedGen C2931072, MONDO:0009181, OMIM 226670.
Epidermolysis bullosa simplex, Ogna type (EBS5A). Also called: Pidermolysis bullosa simplex 5A, Ogna type; EPIDERMOLYSIS BULLOSA SIMPLEX 5A, OGNA TYPE. Identifiers: Orphanet 79401, MedGen C0432317, MONDO:0007555, OMIM 131950.
Epidermolysis bullosa simplex with nail dystrophy (EBS5D). Identifiers: MedGen C4225309, MONDO:0014661, OMIM 616487.
Autosomal recessive limb-girdle muscular dystrophy type 2Q (LGMDR17). Also called: MUSCULAR DYSTROPHY, LIMB-GIRDLE, AUTOSOMAL RECESSIVE 17. Identifiers: Orphanet 254361, MedGen C3150989, MONDO:0013390, OMIM 613723.
Epidermolysis bullosa simplex 5C, with pyloric atresia (EBS5C). Also called: PLEC-Related Epidermolysis Bullosa with Pyloric Atresia; Epidermolysis bullosa simplex with pyloric atresia; PLEC1-Related Epidermolysis Bullosa with Pyloric Atresia. Identifiers: Orphanet 158684, MedGen C2677349, MONDO:0012807, OMIM 612138.
Inborn genetic diseases. Identifiers: MedGen C0950123, MeSH D030342.

Allele frequency attached by ClinVar (database versions not stated): TOPMed below 0.00001; gnomAD exomes 0.00001.
gnomAD v4.1: 18 of 1,613,374 alleles (0.0011%); highest among the groups gnomAD compares: South Asian, 0.0022%; no homozygotes.

Submissions (3):

Labcorp Genetics (formerly Invitae), Labcorp
Classification: Uncertain significance for Autosomal recessive limb-girdle muscular dystrophy type 2Q; Epidermolysis bullosa simplex, Ogna type; Epidermolysis bullosa simplex with nail dystrophy; Epidermolysis bullosa simplex 5C, with pyloric atresia; Epidermolysis bullosa simplex 5B, with muscular dystrophy. Last evaluated: 2023-09-08. Review status: criteria provided, single submitter. Criteria: Invitae Variant Classification Sherloc (09022015). Collection method: clinical testing. Allele origin: germline.
Comment: In summary, the available evidence is currently insufficient to determine the role of this variant in disease. Therefore, it has been classified as a Variant of Uncertain Significance. An algorithm developed to predict the effect of missense changes on protein structure and function (PolyPhen-2) suggests that this variant is likely to be disruptive. ClinVar contains an entry for this variant (Variation ID: 595744). This variant has not been reported in the literature in individuals affected with PLEC-related conditions. This variant is present in population databases (no rsID available, gnomAD 0.0009%). This sequence change replaces aspartic acid, which is acidic and polar, with asparagine, which is neutral and polar, at codon 2844 of the PLEC protein (p.Asp2844Asn).

Ambry Genetics
Classification: Uncertain significance for Inborn genetic diseases. Last evaluated: 2023-05-17. Review status: criteria provided, single submitter. Criteria: Ambry Variant Classification Scheme 2023. Collection method: clinical testing. Allele origin: germline.

Eurofins Ntd Llc (ga)
Classification: Uncertain significance. Last evaluated: 2018-01-12. Review status: criteria provided, single submitter. Criteria: EGL Classification Definitions 2015. Collection method: clinical testing. Allele origin: germline. Observed: 1 variant allele, 1 heterozygote.

NM_201384.3(PLEC):c.8449G>A (p.Asp2817Asn)

Gene: PLEC (plectin; minus strand). Cytogenetic location: 8q24.3.
Variant type: single nucleotide variant.
Coding change: c.8449G>A on transcript NM_201384.3 (MANE Select); coding-DNA position 8449, G replaced by A.
Protein change: p.Asp2817Asn; replaces aspartic acid 2817 with asparagine.
Molecular consequence: missense variant.
Genome position (GRCh38, 1-based): chr8:143,921,372, C>T on the plus strand (G>A on the coding strand, the complement: PLEC is on the minus strand). VCF-style: chr8-143921372-C-T. GRCh37 (hg19) VCF-style: chr8-144995540-C-T.
Other names: c.8530G>A, p.Asp2844Asn (NM_000445.5); c.8407G>A, p.Asp2803Asn (NM_201378.4); c.8383G>A, p.Asp2795Asn (NM_201379.3); c.8860G>A, p.Asp2954Asn (NM_201380.4); c.8353G>A, p.Asp2785Asn (NM_201381.3); c.8449G>A, p.Asp2817Asn (NM_201382.4); c.8461G>A, p.Asp2821Asn (NM_201383.3); c.8530G>A (NM_000445.3); short protein forms D2821N, D2844N, D2954N, D2785N, D2795N, D2803N, D2817N.
Identifiers: ClinVar variation 595744 (VCV000595744.10), dbSNP rs1184467826, ClinGen allele CA372516023.
Genomic context (GRCh38, chr8:143,921,372, plus strand): 5'-CGTCGAAGTAGCCGCGCCGGTAGGCCACGTCCACGGGCACGCGGTGGCTGTGCACGGGGT[C>T]GATAACGCCGCCCGTGGCGATCTGGGCCTCCAGCAGGCGGATGCCGTGCTCCCGGACGAT-3'
Protein context (NP_958786.1, residues 2807-2827): EAQIATGGVI[Asp2817Asn]PVHSHRVPVD